The following is an entry in ClinVar:

ClinVar aggregate classification (germline): Conflicting classifications of pathogenicity. Review status: criteria provided, conflicting classifications (1 of 4 stars). 3 submissions from 2 submitters: Uncertain significance (1); Benign (1); Likely benign (1). Last evaluated 2024-01-08.

Conditions:
Hypothyroidism due to TSH receptor mutations. Also called: Hypothyroidism, congenital, nongoitrous, 1; HYPOTHYROIDISM DUE TO UNRESPONSIVENESS TO THYROTROPIN; HYPOTHYROIDISM, CONGENITAL, DUE TO TSH RESISTANCE; HYPOTHYROIDISM, NONAUTOIMMUNE; THYROID-STIMULATING HORMONE, RESISTANCE TO; TSH RESISTANCE. Identifiers: Orphanet 90673, MedGen C3493776, MONDO:0010142, OMIM 275200.
Familial hyperthyroidism due to mutations in TSH receptor. Also called: HYPERTHYROIDISM, CONGENITAL NONAUTOIMMUNE; HYPERTHYROIDISM, NONAUTOIMMUNE, AUTOSOMAL DOMINANT; TOXIC THYROID HYPERPLASIA, AUTOSOMAL DOMINANT. Identifiers: Orphanet 424, MedGen C1836706, MONDO:0012203, OMIM 609152.

Allele frequency attached by ClinVar (database versions not stated): gnomAD exomes 0.00003 and 0.00011; TOPMed 0.00004; ExAC 0.00022.
gnomAD v4.1: 59 of 1,614,088 alleles (0.0037%); highest among the groups gnomAD compares: Middle Eastern, 0.033%; no homozygotes.

Submissions (3):

Labcorp Genetics (formerly Invitae), Labcorp
Classification: Likely benign. Last evaluated: 2024-01-08. Review status: criteria provided, single submitter. Criteria: Invitae Variant Classification Sherloc (09022015). Collection method: clinical testing. Allele origin: germline.

Illumina Laboratory Services, Illumina
Classification: Benign for Familial hyperthyroidism due to mutations in TSH receptor. Last evaluated: 2017-04-27. Review status: criteria provided, single submitter. Criteria: ICSL Variant Classification Criteria 13 December 2019. Collection method: clinical testing. Allele origin: germline.
Comment: This variant was observed as part of a predisposition screen in an ostensibly healthy population. A literature search was performed for the gene, cDNA change, and amino acid change (where applicable). No publications were found based on this search. Allele frequency data from public databases was too high to be consistent with this variant causing disease. Therefore, this variant is classified as benign.

Illumina Laboratory Services, Illumina
Classification: Uncertain significance for Hypothyroidism due to TSH receptor mutations. Last evaluated: 2017-04-27. Review status: criteria provided, single submitter. Criteria: ICSL Variant Classification Criteria 13 December 2019. Collection method: clinical testing. Allele origin: germline.

NM_000369.5(TSHR):c.1341C>T (p.Asn447=)

Genes: TSHR-AS1 (TSHR antisense RNA 1; minus strand), TSHR (thyroid stimulating hormone receptor; plus strand). Cytogenetic location: 14q31.1.
Variant type: single nucleotide variant.
Coding change: c.1341C>T on transcript NM_000369.5 (MANE Select); coding-DNA position 1341, C replaced by T.
Protein change: p.Asn447=; no amino-acid change (asparagine 447 retained).
Molecular consequence: synonymous variant.
Genome position (GRCh38, 1-based): chr14:81,143,399, C>T. VCF-style: chr14-81143399-C-T. GRCh37 (hg19) VCF-style: chr14-81609743-C-T.
Identifiers: ClinVar variation 884223 (VCV000884223.7), dbSNP rs777698828, ClinGen allele CA7294441.